The following is an entry in ClinVar:

ClinVar aggregate classification (germline): Benign/Likely benign. Review status: criteria provided, multiple submitters, no conflicts (2 of 4 stars). 5 submissions from 5 submitters: Benign (1); Likely benign (3). 1 of the submissions does not count toward it. Last evaluated 2025-12-29.

Conditions:
Maturity-onset diabetes of the young (MODY). Also called: Maturity onset diabetes mellitus in young. Identifiers: Orphanet 552, MedGen C0342276, MONDO:0018911, HP:0004904.
HNF4A-related disorder. Also called: HNF4A-related condition.
Type 2 diabetes mellitus. Also called: Type II diabetes mellitus. Identifiers: MedGen C0011860, MeSH D003924, MONDO:0005148, OMIM 125853, HP:0005978.
Maturity-onset diabetes of the young type 1. Also called: MODY type 1; Diabetes mellitus MODY type 1; MODY HNF4A related; HNF4A-Related Maturity-Onset Diabetes of the Young Type 1; MODY, type I; MILD JUVENILE DIABETES MELLITUS. Identifiers: Orphanet 552, MedGen C1852093, MONDO:0007452, OMIM 125850. Disease mechanism: loss of function.
Fanconi renotubular syndrome 4 with maturity-onset diabetes of the young (FRTS4). Also called: FRTS4 WITH MODY. Identifiers: Orphanet 93111, MedGen C4014962, MONDO:0014458, OMIM 616026.

Allele frequency attached by ClinVar (database versions not stated): ExAC 0.00012; gnomAD exomes 0.00012 and 0.00004; TOPMed 0.00032; ESP Exome Variant Server 0.00039; gnomAD 0.00039; 1000 Genomes Project 0.00040; 1000 Genomes Project 30x 0.00047.
gnomAD v4.1: 110 of 1,613,542 alleles (0.0068%); highest among the groups gnomAD compares: African/African-American, 0.13%; no homozygotes.

Submissions (5):

Labcorp Genetics (formerly Invitae), Labcorp
Classification: Likely benign. Last evaluated: 2025-12-29. Review status: criteria provided, single submitter. Criteria: Invitae Variant Classification Sherloc (09022015). Collection method: clinical testing. Allele origin: germline.

Women's Health and Genetics/Laboratory Corporation of America, LabCorp
Classification: Benign. Last evaluated: 2024-10-21. Review status: criteria provided, single submitter. Criteria: LabCorp Variant Classification Summary - May 2015. Collection method: clinical testing. Allele origin: germline.

Fulgent Genetics
Classification: Likely benign for Maturity-onset diabetes of the young type 1; Type 2 diabetes mellitus; Fanconi renotubular syndrome 4 with maturity-onset diabetes of the young. Last evaluated: 2021-07-29. Review status: criteria provided, single submitter. Criteria: ACMG Guidelines, 2015. Collection method: clinical testing. Allele origin: unknown.

Clinical Genomics, Uppaluri K&H Personalized Medicine Clinic
Classification: Likely benign for Maturity-onset diabetes of the young. Review status: criteria provided, single submitter. Criteria: K & H Uppaluri Personalized Medicine Clinic Variant Classification & Assertion Criteria_Updated V.1. Collection method: research. Allele origin: unknown. Inheritance: Autosomal dominant inheritance.
Comment: Potent mutations in HNF4A are associated with poor insulin secretion in response to hyperglycemia. Associated with MODY1. Patients initially respond well to sulfonylureas but eventually become insulin dependent. However, more evidence is required to ascertain the role of this particular variant rs151168174 in MODY, yet.

PreventionGenetics, part of Exact Sciences
Classification: Likely benign for HNF4A-related condition. Last evaluated: 2020-02-06. Review status: no assertion criteria provided. Collection method: clinical testing. Allele origin: germline. Not counted in ClinVar's aggregate classification.
Comment: This variant is classified as likely benign based on ACMG/AMP sequence variant interpretation guidelines (Richards et al. 2015 PMID: 25741868, with internal and published modifications).

Literature cited by the submitters: DOI 10.1159/000334532 (cited by Clinical Genomics, Uppaluri K&H Personalized Medicine Clinic); PubMed 18268044 (cited by Clinical Genomics, Uppaluri K&H Personalized Medicine Clinic); PubMed 17563455 (cited by Clinical Genomics, Uppaluri K&H Personalized Medicine Clinic); PubMed 32583173 (cited by Clinical Genomics, Uppaluri K&H Personalized Medicine Clinic); PubMed 35052457 (cited by Clinical Genomics, Uppaluri K&H Personalized Medicine Clinic); PubMed 35118593 (cited by Clinical Genomics, Uppaluri K&H Personalized Medicine Clinic).

NM_175914.5(HNF4A):c.921C>T (p.Asp307=)

Gene: HNF4A (hepatocyte nuclear factor 4 alpha; plus strand). Cytogenetic location: 20q13.12.
Variant type: single nucleotide variant.
Coding change: c.921C>T on transcript NM_175914.5 (MANE Select); coding-DNA position 921, C replaced by T.
Protein change: p.Asp307=; no amino-acid change (aspartic acid 307 retained).
Molecular consequence: synonymous variant.
Genome position (GRCh38, 1-based): chr20:44,424,112, C>T. VCF-style: chr20-44424112-C-T. GRCh37 (hg19) VCF-style: chr20-43052752-C-T.
Other names: c.987C>T, p.Asp329= (NM_000457.6, NM_178849.3, NM_178850.3); c.921C>T, p.Asp307= (NM_001030003.3, NM_001030004.3); c.966C>T, p.Asp322= (NM_001258355.2); c.912C>T, p.Asp304= (NM_001287182.2, NM_001287183.2, NM_001287184.2).
Identifiers: ClinVar variation 745305 (VCV000745305.14), dbSNP rs151168174, ClinGen allele CA9870410.